The following is an entry in ClinVar:

NM_000355.4(TCN2):c.258-1G>A

Gene: TCN2 (transcobalamin 2; plus strand). Cytogenetic location: 22q12.2.
Variant type: single nucleotide variant.
Coding change: c.258-1G>A on transcript NM_000355.4 (MANE Select); the canonical splice acceptor site of the intron before coding-DNA position 258, G replaced by A.
Molecular consequence: splice acceptor variant.
Genome position (GRCh38, 1-based): chr22:30,612,872, G>A. VCF-style: chr22-30612872-G-A. GRCh37 (hg19) VCF-style: chr22-31008859-G-A.
Other names: c.258-1G>A (NM_001184726.2).
Identifiers: ClinVar variation 2877808 (VCV002877808.3), dbSNP rs1387442810, ClinGen allele CA411207849.

ClinVar aggregate classification (germline): Likely pathogenic (1 of 4 stars; one submission).

Conditions:
Transcobalamin II deficiency (TCN2D). Also called: TC II DEFICIENCY; TCN2 DEFICIENCY; Transcolabamin II deficiency. Identifiers: Orphanet 859, MedGen C0342701, MONDO:0010149, OMIM 275350.

Submission:

Labcorp Genetics (formerly Invitae), Labcorp
Classification: Likely pathogenic for Transcobalamin II deficiency. Last evaluated: 2023-07-19. Review status: criteria provided, single submitter. Criteria: Invitae Variant Classification Sherloc (09022015). Collection method: clinical testing. Allele origin: germline.
Comment: Algorithms developed to predict the effect of sequence changes on RNA splicing suggest that this variant may disrupt the consensus splice site. This sequence change affects an acceptor splice site in intron 2 of the TCN2 gene. It is expected to disrupt RNA splicing. Variants that disrupt the donor or acceptor splice site typically lead to a loss of protein function (PMID: 16199547), and loss-of-function variants in TCN2 are known to be pathogenic (PMID: 7980584, 20352340). This variant is not present in population databases (gnomAD no frequency). This variant has not been reported in the literature in individuals affected with TCN2-related conditions. In summary, the currently available evidence indicates that the variant is pathogenic, but additional data are needed to prove that conclusively. Therefore, this variant has been classified as Likely Pathogenic.

Literature cited by the submitters: PubMed 16199547; PubMed 7980584; PubMed 20352340.